The following is an entry in ClinVar:

NM_138694.4(PKHD1):c.7056A>G (p.Thr2352=)

Gene: PKHD1 (PKHD1 ciliary IPT domain containing fibrocystin/polyductin; minus strand). Cytogenetic location: 6p12.2.
Variant type: single nucleotide variant.
Coding change: c.7056A>G on transcript NM_138694.4 (MANE Select); coding-DNA position 7056, A replaced by G.
Protein change: p.Thr2352=; no amino-acid change (threonine 2352 retained).
Molecular consequence: synonymous variant.
Genome position (GRCh38, 1-based): chr6:51,887,186, T>C on the plus strand (A>G on the coding strand, the complement: PKHD1 is on the minus strand). VCF-style: chr6-51887186-T-C. GRCh37 (hg19) VCF-style: chr6-51751984-T-C.
Other names: c.7056A>G, p.Thr2352= (NM_170724.3).
Identifiers: ClinVar variation 5040272 (VCV005040272.1).
Genomic context (GRCh38, chr6:51,887,186, plus strand): 5'-AAGTTACCTGGTACAAGAATGTGCAATGTTCTGAGTGAAGGAAAGAAGCGGAGCTTGTGA[T>C]GTTTGGTTGGTCATGAGATGGAAAAAGTAGCCATAGCCAGCACCACACACTCTGTTCCCC-3'
Protein context (NP_619639.3, residues 2342-2362): GYFFHLMTNQ[Thr2352=]SQAPLLSFTQ

ClinVar aggregate classification (germline): Likely benign (1 of 4 stars; one submission).

gnomAD v4.1: 1 of 1,613,646 alleles (0.000062%); highest among the groups gnomAD compares: Non-Finnish European, 0.000085%; no homozygotes.

Submission:

CeGaT Center for Human Genetics Tuebingen
Classification: Likely benign. Last evaluated: 2026-07-01. Review status: criteria provided, single submitter. Criteria: CeGaT Center For Human Genetics Tuebingen Variant Classification Criteria Version 2. Collection method: clinical testing. Allele origin: germline. Affected: yes. Observed: 1 variant allele.
Comment: PKHD1: BP4, BP7